The following is an entry in ClinVar:

NM_001321120.2(TBX4):c.159C>T (p.Asp53=)

Gene: TBX4 (T-box transcription factor 4; plus strand). Cytogenetic location: 17q23.2.
Variant type: single nucleotide variant.
Coding change: c.159C>T on transcript NM_001321120.2 (MANE Select); coding-DNA position 159, C replaced by T.
Protein change: p.Asp53=; no amino-acid change (aspartic acid 53 retained).
Molecular consequence: synonymous variant.
Genome position (GRCh38, 1-based): chr17:61,456,649, C>T. VCF-style: chr17-61456649-C-T. GRCh37 (hg19) VCF-style: chr17-59534010-C-T.
Other names: c.159C>T, p.Asp53= (NM_018488.3).
Identifiers: ClinVar variation 714022 (VCV000714022.20), dbSNP rs755880238, ClinGen allele CA8689740.

ClinVar aggregate classification (germline): Benign/Likely benign. Review status: criteria provided, multiple submitters, no conflicts (2 of 4 stars). 5 submissions from 5 submitters: Benign (3); Likely benign (2). Last evaluated 2026-03-01.

Allele frequency attached by ClinVar (database versions not stated): ExAC 0.00038; gnomAD 0.00039; 1000 Genomes Project 30x 0.00078; TOPMed 0.00103; gnomAD exomes 0.00290.
gnomAD v4.1: 403 of 1,349,794 alleles (0.03%); highest among the groups gnomAD compares: Admixed American, 0.95%; 4 homozygotes.

Submissions (5):

CeGaT Center for Human Genetics Tuebingen
Classification: Likely benign. Last evaluated: 2026-03-01. Review status: criteria provided, single submitter. Criteria: CeGaT Center For Human Genetics Tuebingen Variant Classification Criteria Version 2. Collection method: clinical testing. Allele origin: germline. Affected: yes. Observed: 3 variant alleles.
Comment: TBX4: BP4, BS2

Labcorp Genetics (formerly Invitae), Labcorp
Classification: Benign. Last evaluated: 2026-01-11. Review status: criteria provided, single submitter. Criteria: Invitae Variant Classification Sherloc (09022015). Collection method: clinical testing. Allele origin: germline.

ARUP Laboratories, Molecular Genetics and Genomics, ARUP Laboratories
Classification: Benign. Last evaluated: 2025-03-18. Review status: criteria provided, single submitter. Criteria: ARUP Molecular Germline Variant Investigation Process 2024. Collection method: clinical testing. Allele origin: germline.

Blueprint Genetics
Classification: Likely benign. Last evaluated: 2024-11-15. Review status: criteria provided, single submitter. Criteria: ACMG Guidelines, 2015. Collection method: clinical testing. Allele origin: germline.

Breakthrough Genomics
Classification: Benign. Review status: criteria provided, single submitter. Criteria: ACMG Guidelines, 2015. Collection method: not provided. Allele origin: germline. Inheritance: Autosomal recessive inheritance. Affected: yes.